The following is an entry in ClinVar:

ClinVar aggregate classification (germline): Benign. Review status: criteria provided, multiple submitters, no conflicts (2 of 4 stars). 2 submissions from 2 submitters: Benign (2). Last evaluated 2018-06-14.

Allele frequency attached by ClinVar (database versions not stated): 1000 Genomes Project 0.20627; 1000 Genomes Project 30x 0.21174; TOPMed 0.25953; gnomAD 0.26582 and 0.26901; gnomAD exomes 0.28613.

Submissions (2):

GeneDx
Classification: Benign. Last evaluated: 2018-06-14. Review status: criteria provided, single submitter. Criteria: GeneDx Variant Classification (06012015). Collection method: clinical testing. Allele origin: germline. Affected: yes.
Comment: This variant is considered likely benign or benign based on one or more of the following criteria: it is a conservative change, it occurs at a poorly conserved position in the protein, it is predicted to be benign by multiple in silico algorithms, and/or has population frequency not consistent with disease.

Breakthrough Genomics
Classification: Benign. Review status: criteria provided, single submitter. Criteria: ACMG Guidelines, 2015. Collection method: not provided. Allele origin: germline. Inheritance: Autosomal recessive inheritance. Affected: yes.

NM_018127.7(ELAC2):c.1305-337G>A

Gene: ELAC2 (elaC ribonuclease Z 2; minus strand). Cytogenetic location: 17p12.
Variant type: single nucleotide variant.
Coding change: c.1305-337G>A on transcript NM_018127.7 (MANE Select); 337 bases into the intron before coding-DNA position 1305, G replaced by A.
Molecular consequence: intron variant.
Genome position (GRCh38, 1-based): chr17:13,000,611, C>T on the plus strand (G>A on the coding strand, the complement: ELAC2 is on the minus strand). VCF-style: chr17-13000611-C-T. GRCh37 (hg19) VCF-style: chr17-12903928-C-T.
Other names: c.1185-337G>A (NM_001165962.2); c.1302-337G>A (NM_173717.2).
Identifiers: ClinVar variation 683506 (VCV000683506.2), dbSNP rs73981608, ClinGen allele CA14486160.